The following is an entry in ClinVar:

NM_207122.2(EXT2):c.203_258del (p.Val68fs)

Gene: EXT2 (exostosin glycosyltransferase 2; plus strand). Cytogenetic location: 11p11.2.
Variant type: Deletion.
Coding change: c.203_258del on transcript NM_207122.2 (MANE Select); coding-DNA positions 203 to 258, 56 bases deleted.
Protein change: p.Val68fs; shifts the reading frame from valine 68.
Molecular consequence: frameshift variant.
Genome position (GRCh38, 1-based): chr11:44,107,915-44,107,970, 56 bases deleted. GRCh37 (hg19): chr11:44,129,465-44,129,520.
Other names: c.302_357del, p.Val101fs (NM_000401.3); c.203_258del, p.Val68fs (NM_001178083.3, NM_001389628.1, NM_001389630.1); short protein forms V68fs, V101fs.
Identifiers: ClinVar variation 948798 (VCV000948798.11), dbSNP rs1954081053, ClinGen allele CA1139661914.

ClinVar aggregate classification (germline): Pathogenic. Review status: criteria provided, multiple submitters, no conflicts (2 of 4 stars). 2 submissions from 2 submitters: Pathogenic (2). Last evaluated 2025-10-14.

Conditions:
Exostoses, multiple, type 2 (EXT2). Also called: Hereditary Multiple Osteochondromatosis, Type II; EXOSTOSES, MULTIPLE, TYPE II. Identifiers: Orphanet 321, MedGen C1851413, MONDO:0007586, OMIM 133701.

Submissions (2):

Labcorp Genetics (formerly Invitae), Labcorp
Classification: Pathogenic for Exostoses, multiple, type 2. Last evaluated: 2025-10-14. Review status: criteria provided, single submitter. Criteria: Invitae Variant Classification Sherloc (09022015). Collection method: clinical testing. Allele origin: germline.
Comment: This sequence change creates a premature translational stop signal (p.Val68Aspfs*6) in the EXT2 gene. It is expected to result in an absent or disrupted protein product. Loss-of-function variants in EXT2 are known to be pathogenic (PMID: 10679937, 19810120). This variant is not present in population databases (gnomAD no frequency). This premature translational stop signal has been observed in individual(s) with clinical features of hereditary multiple exostoses (internal data). Invitae Evidence Modeling of clinical and family history, age, sex, and reported ancestry of multiple individuals with this EXT2 variant has been performed. This variant is expected to be pathogenic with a positive predictive value of at least 99%. This is a validated machine learning model that incorporates the clinical features of 66,185 individuals referred to our laboratory for EXT2 testing. ClinVar contains an entry for this variant (Variation ID: 948798). For these reasons, this variant has been classified as Pathogenic.

GeneDx
Classification: Pathogenic. Last evaluated: 2024-01-03. Review status: criteria provided, single submitter. Criteria: GeneDx Variant Classification Process June 2021. Collection method: clinical testing. Allele origin: germline. Affected: yes.
Comment: Frameshift variant predicted to result in protein truncation or nonsense mediated decay in a gene for which loss of function is a known mechanism of disease; Not observed at significant frequency in large population cohorts (gnomAD); Has not been previously published as pathogenic or benign to our knowledge

Literature cited by the submitters: PubMed 10679937 (cited by Labcorp Genetics (formerly Invitae), Labcorp); PubMed 19810120 (cited by Labcorp Genetics (formerly Invitae), Labcorp).